The following is an entry in ClinVar:

ClinVar aggregate classification (germline): Pathogenic (1 of 4 stars; one submission).

Submission:

GeneDx
Classification: Pathogenic. Last evaluated: 2023-08-08. Review status: criteria provided, single submitter. Criteria: GeneDx Variant Classification Process June 2021. Collection method: clinical testing. Allele origin: germline. Affected: yes.
Comment: Nonsense variant predicted to result in protein truncation or nonsense mediated decay in a gene for which loss of function is a known mechanism of disease; Not observed at significant frequency in large population cohorts (gnomAD); Has not been previously published as pathogenic or benign to our knowledge

NM_145207.3(AFG2A):c.1603A>T (p.Lys535Ter)

Gene: AFG2A (AFG2 AAA ATPase homolog A; plus strand). Cytogenetic location: 4q28.1.
Variant type: single nucleotide variant.
Coding change: c.1603A>T on transcript NM_145207.3 (MANE Select); coding-DNA position 1603, A replaced by T.
Protein change: p.Lys535Ter; replaces lysine 535 with a stop codon.
Molecular consequence: nonsense.
Genome position (GRCh38, 1-based): chr4:122,947,377, A>T. VCF-style: chr4-122947377-A-T. GRCh37 (hg19) VCF-style: chr4-123868532-A-T.
Other names: c.1600A>T, p.Lys534Ter (NM_001345856.2, NM_001317799.2); short protein forms K535*, K534*.
Identifiers: ClinVar variation 817552 (VCV000817552.3), dbSNP rs1578557063, ClinGen allele CA358108331.